The following is an entry in ClinVar:

ClinVar aggregate classification (germline): Uncertain significance (1 of 4 stars; one submission).

Submission:

Women's Health and Genetics/Laboratory Corporation of America, LabCorp
Classification: Uncertain significance. Last evaluated: 2025-10-27. Review status: criteria provided, single submitter. Criteria: LabCorp Variant Classification Summary - May 2015. Collection method: clinical testing. Allele origin: germline.
Comment: Variant summary: The variant involves the duplication of the 3'-half of exon 26 through exon 27, and the larger 5'-part of exon 28 in the TNXB gene. A presumed nomenclature of TNXB c.8947_9745dup (p.Ile3249ThrfsX56) has been designated for the purposes of this classification. Since this variant might also affect splicing, therefore in silico predictions of the overall protein level effect might be unreliable. The variant was absent in 462876 control chromosomes in the gnomAD database (CNVs v4.1 dataset). However, the TNXB gene is known to be located in a region affected by copy number variability and pseudogene interference, therefore the gnomAD frequency data for copy number variants in this region might not be reliable. The available data on variant occurrences in the general population are insufficient to allow any conclusion about variant significance. To our knowledge, no occurrence of c.8947_9745dup in individuals affected with TNXB-related conditions and no experimental evidence demonstrating its impact on protein function have been reported. No submitters have cited clinical-significance assessments for this variant to ClinVar. Based on the evidence outlined above, the variant was classified as uncertain significance.

NM_019105.8:c.8947_9745dup

Gene: TNXB (tenascin XB; minus strand).
Variant type: Duplication.
Other names: c.8947_9745dup (NM_019105.8).
Identifiers: ClinVar variation 4687713 (VCV004687713.1).